The following is an entry in ClinVar:

NM_013275.6(ANKRD11):c.3024_3025del (p.Lys1009fs)

Gene: ANKRD11 (ankyrin repeat domain containing 11; minus strand). Cytogenetic location: 16q24.3.
Variant type: Microsatellite.
Coding change: c.3024_3025del on transcript NM_013275.6 (MANE Select); coding-DNA positions 3024 to 3025, 2 bases deleted (GA; older notation c.3024_3025delGA).
Protein change: p.Lys1009fs; shifts the reading frame from lysine 1009.
Molecular consequence: frameshift variant.
Genome position (GRCh38, 1-based): chr16:89,283,517-89,283,518, TC deleted on the plus strand (GA on the coding strand, the reverse complement: ANKRD11 is on the minus strand); deleting any 2 consecutive bases within chr16:89,283,517-89,283,522 gives the same sequence; the c. name uses the placement nearest the transcript's 3' end. VCF-style (leftmost placement, unchanged base first): chr16-89283516-TTC-T. GRCh37 (hg19) VCF-style: chr16-89349924-TTC-T.
Other names: c.3024_3025del, p.Lys1009fs (NM_001256182.2, NM_001256183.2); short protein forms K1009fs.
Identifiers: ClinVar variation 4072482 (VCV004072482.1).

ClinVar aggregate classification (germline): Pathogenic (1 of 4 stars; one submission).

Submission:

GeneDx
Classification: Pathogenic. Last evaluated: 2025-02-04. Review status: criteria provided, single submitter. Criteria: GeneDx Variant Classification Process June 2021. Collection method: clinical testing. Allele origin: germline. Affected: yes.
Comment: Frameshift variant predicted to result in protein truncation or nonsense mediated decay in a gene for which loss of function is a known mechanism of disease; Not observed at significant frequency in large population cohorts (gnomAD); This variant is associated with the following publications: (PMID: 35360850, 35346302)